The following is an entry in ClinVar:

ClinVar aggregate classification (germline): Uncertain significance. Review status: criteria provided, multiple submitters, no conflicts (2 of 4 stars). 2 submissions from 2 submitters: Uncertain significance (2). Last evaluated 2024-11-11.

gnomAD v4.1: 12 of 1,606,388 alleles (0.00075%); highest among the groups gnomAD compares: East Asian, 0.0022%; no homozygotes.

Submissions (2):

Labcorp Genetics (formerly Invitae), Labcorp
Classification: Uncertain significance. Last evaluated: 2024-11-11. Review status: criteria provided, single submitter. Criteria: Invitae Variant Classification Sherloc (09022015). Collection method: clinical testing. Allele origin: germline.
Comment: This sequence change replaces arginine, which is basic and polar, with glutamine, which is neutral and polar, at codon 484 of the LTBP4 protein (p.Arg484Gln). This variant is present in population databases (rs764183918, gnomAD 0.005%). This variant has not been reported in the literature in individuals affected with LTBP4-related conditions. An algorithm developed to predict the effect of missense changes on protein structure and function outputs the following: PolyPhen-2: "Not Available". The glutamine amino acid residue is found in multiple mammalian species, which suggests that this missense change does not adversely affect protein function. In summary, the available evidence is currently insufficient to determine the role of this variant in disease. Therefore, it has been classified as a Variant of Uncertain Significance.

GeneDx
Classification: Uncertain significance. Last evaluated: 2024-05-02. Review status: criteria provided, single submitter. Criteria: GeneDx Variant Classification Process June 2021. Collection method: clinical testing. Allele origin: germline. Affected: yes.
Comment: Not observed at significant frequency in large population cohorts (gnomAD); In silico analysis indicates that this missense variant does not alter protein structure/function; Has not been previously published as pathogenic or benign to our knowledge

NM_001042545.2(LTBP4):c.1361G>A (p.Arg454Gln)

Gene: LTBP4 (latent transforming growth factor beta binding protein 4; plus strand). Cytogenetic location: 19q13.2.
Variant type: single nucleotide variant.
Coding change: c.1361G>A on transcript NM_001042545.2 (MANE Select); coding-DNA position 1361, G replaced by A.
Protein change: p.Arg454Gln; replaces arginine 454 with glutamine.
Molecular consequence: missense variant.
Genome position (GRCh38, 1-based): chr19:40,608,538, G>A. VCF-style: chr19-40608538-G-A. GRCh37 (hg19) VCF-style: chr19-41114444-G-A.
Other names: c.1562G>A, p.Arg521Gln (NM_001042544.1); c.1451G>A, p.Arg484Gln (NM_003573.2); short protein forms R454Q, R484Q, R521Q.
Identifiers: ClinVar variation 3373386 (VCV003373386.3).
Genomic context (GRCh38, chr19:40,608,538, plus strand): 5'-TATCAGGCTTTCTGCCCACCCATCGCCTGGAGCCCCGGCCTGAACCCCGGCCCGATCCCC[G>A]GCCCGGCCCTGAGCTTCCCTTGCCCAGCATCCCTGCCTGGACTGGTCCTGAGATTCCTGA-3'
Protein context (NP_001036010.1, residues 444-464): EPRPEPRPDP[Arg454Gln]PGPELPLPSI